The following is an entry in ClinVar:

NM_198994.3(TGM6):c.1620C>T (p.Arg540=)

Gene: TGM6 (transglutaminase 6; plus strand). Cytogenetic location: 20p13.
Variant type: single nucleotide variant.
Coding change: c.1620C>T on transcript NM_198994.3 (MANE Select); coding-DNA position 1620, C replaced by T.
Protein change: p.Arg540=; no amino-acid change (arginine 540 retained).
Molecular consequence: synonymous variant.
Genome position (GRCh38, 1-based): chr20:2,417,515, C>T. VCF-style: chr20-2417515-C-T. GRCh37 (hg19) VCF-style: chr20-2398161-C-T.
Other names: c.1620C>T, p.Arg540= (NM_001254734.2).
Identifiers: ClinVar variation 3031141 (VCV003031141.2), dbSNP rs762232364, ClinGen allele CA509547697.

ClinVar aggregate classification (germline): Likely benign (0 of 4 stars; one submission).

Conditions:
TGM6-related disorder. Also called: TGM6-related condition.

Allele frequency attached by ClinVar (database versions not stated): gnomAD exomes 0.00003.
gnomAD v4.1: 39 of 1,606,144 alleles (0.0024%); highest among the groups gnomAD compares: Non-Finnish European, 0.0031%; no homozygotes.

Submission:

PreventionGenetics, part of Exact Sciences
Classification: Likely benign for TGM6-related condition. Last evaluated: 2024-02-19. Review status: no assertion criteria provided. Collection method: clinical testing. Allele origin: germline.
Comment: This variant is classified as likely benign based on ACMG/AMP sequence variant interpretation guidelines (Richards et al. 2015 PMID: 25741868, with internal and published modifications).